The following is an entry in ClinVar:

NM_006892.4(DNMT3B):c.1543G>A (p.Glu515Lys)

Genes: DNMT3B (DNA methyltransferase 3 beta; plus strand), LOC126863014 (CDK7 strongly-dependent group 2 enhancer GRCh37_chr20:31385992-31387191; plus strand). Cytogenetic location: 20q11.21.
Variant type: single nucleotide variant.
Coding change: c.1543G>A on transcript NM_006892.4 (MANE Select); coding-DNA position 1543, G replaced by A.
Protein change: p.Glu515Lys; replaces glutamic acid 515 with lysine.
Molecular consequence: missense variant.
Genome position (GRCh38, 1-based): chr20:32,798,512, G>A. VCF-style: chr20-32798512-G-A. GRCh37 (hg19) VCF-style: chr20-31386318-G-A.
Other names: c.1357G>A, p.Glu453Lys (NM_001207055.2); c.1255G>A, p.Glu419Lys (NM_001207056.2); c.1483G>A, p.Glu495Lys (NM_175848.2, NM_175849.2); c.1519G>A, p.Glu507Lys (NM_175850.3); short protein forms E419K, E453K, E495K, E507K, E515K.
Identifiers: ClinVar variation 2500020 (VCV002500020.2), dbSNP rs747146892, ClinGen allele CA9810628.

ClinVar aggregate classification (germline): Uncertain significance (1 of 4 stars; one submission).

Conditions:
Immunodeficiency-centromeric instability-facial anomalies syndrome 1 (ICF1). Identifiers: Orphanet 2268, MedGen C4551557, MONDO:0009454, OMIM 242860.
Facioscapulohumeral muscular dystrophy 4, digenic. Identifiers: MedGen C5561960, MONDO:0030355, OMIM 619478.

Allele frequency attached by ClinVar (database versions not stated): ExAC 0.00001; gnomAD 0.00001; gnomAD exomes 0.00001; TOPMed 0.00002.

Submission:

Center for Genomics, Ann and Robert H. Lurie Children's Hospital of Chicago
Classification: Uncertain significance for Immunodeficiency-centromeric instability-facial anomalies syndrome 1; Facioscapulohumeral muscular dystrophy 4, digenic. Review status: criteria provided, single submitter. Criteria: ACMG Guidelines, 2015. Collection method: clinical testing. Allele origin: germline.
Comment: This variant has not been reported in the literature but is present in the Genome Aggregation Database (Highest reported MAF 0.006% (2/30616). This variant amino acid Lysine (Lys) is present in several species including multiple mammals and is not well conserved among evolutionarily distant species; this suggests that this variant may not impact the protein. Additional computational prediction tools do not suggest an impact. In summary, data on this variant is insufficient for disease classification. Therefore, the clinical significance of this variant is uncertain.